The following is an entry in ClinVar:

NM_003705.5(SLC25A12):c.821T>C (p.Leu274Pro)

Gene: SLC25A12 (solute carrier family 25 member 12; minus strand). Cytogenetic location: 2q31.1.
Variant type: single nucleotide variant.
Coding change: c.821T>C on transcript NM_003705.5 (MANE Select); coding-DNA position 821, T replaced by C.
Protein change: p.Leu274Pro; replaces leucine 274 with proline.
Molecular consequence: missense variant. On other transcripts: non-coding transcript variant (1).
Genome position (GRCh38, 1-based): chr2:171,833,987, A>G on the plus strand (T>C on the coding strand, the complement: SLC25A12 is on the minus strand). VCF-style: chr2-171833987-A-G. GRCh37 (hg19) VCF-style: chr2-172690497-A-G.
Other names: short protein forms L274P.
Identifiers: ClinVar variation 2003228 (VCV002003228.4), dbSNP rs2545218411, ClinGen allele CA349619718.

ClinVar aggregate classification (germline): Uncertain significance (1 of 4 stars; one submission).

Allele frequency attached by ClinVar (database versions not stated): gnomAD exomes below 0.00001.
gnomAD v4.1: 1 of 1,598,548 alleles (0.000063%); highest among the groups gnomAD compares: Non-Finnish European, 0.000086%; no homozygotes.

Submission:

Labcorp Genetics (formerly Invitae), Labcorp
Classification: Uncertain significance. Last evaluated: 2023-04-10. Review status: criteria provided, single submitter. Criteria: Invitae Variant Classification Sherloc (09022015). Collection method: clinical testing. Allele origin: germline.
Comment: ClinVar contains an entry for this variant (Variation ID: 2003228). Advanced modeling of protein sequence and biophysical properties (such as structural, functional, and spatial information, amino acid conservation, physicochemical variation, residue mobility, and thermodynamic stability) performed at Invitae indicates that this missense variant is expected to disrupt SLC25A12 protein function. In summary, the available evidence is currently insufficient to determine the role of this variant in disease. Therefore, it has been classified as a Variant of Uncertain Significance. This variant has not been reported in the literature in individuals affected with SLC25A12-related conditions. This sequence change replaces leucine, which is neutral and non-polar, with proline, which is neutral and non-polar, at codon 274 of the SLC25A12 protein (p.Leu274Pro). This variant is not present in population databases (gnomAD no frequency).